The following is an entry in ClinVar:

NM_024721.5(ZFHX4):c.3683A>T (p.Asp1228Val)

Gene: ZFHX4 (zinc finger homeobox 4; plus strand). Cytogenetic location: 8q21.13.
Variant type: single nucleotide variant.
Coding change: c.3683A>T on transcript NM_024721.5 (MANE Select); coding-DNA position 3683, A replaced by T.
Protein change: p.Asp1228Val; replaces aspartic acid 1228 with valine.
Molecular consequence: missense variant.
Genome position (GRCh38, 1-based): chr8:76,849,549, A>T. VCF-style: chr8-76849549-A-T. GRCh37 (hg19) VCF-style: chr8-77761785-A-T.
Other names: c.3605A>T, p.Asp1202Val (NM_001410934.1); short protein forms D1202V, D1228V.
Identifiers: ClinVar variation 4205170 (VCV004205170.6).

ClinVar aggregate classification (germline): Likely benign. Review status: criteria provided, multiple submitters, no conflicts (2 of 4 stars). 2 submissions from 2 submitters: Likely benign (2). Last evaluated 2026-07-01.

Submissions (2):

CeGaT Center for Human Genetics Tuebingen
Classification: Likely benign. Last evaluated: 2026-07-01. Review status: criteria provided, single submitter. Criteria: CeGaT Center For Human Genetics Tuebingen Variant Classification Criteria Version 2. Collection method: clinical testing. Allele origin: germline. Affected: yes. Observed: 2 variant alleles.
Comment: ZFHX4: BS2

Ambry Genetics
Classification: Likely benign. Last evaluated: 2025-06-17. Review status: criteria provided, single submitter. Criteria: Ambry Variant Classification Scheme 2023. Collection method: clinical testing. Allele origin: germline.